The following is an entry in ClinVar:

ClinVar aggregate classification (germline): Uncertain significance (1 of 4 stars; one submission).

Conditions:
SLX4-related disorder. Also called: SLX4-related condition.

gnomAD v4.1: 2 of 1,614,112 alleles (0.00012%); highest among the groups gnomAD compares: Middle Eastern, 0.016%; no homozygotes.

Submission:

PreventionGenetics, part of Exact Sciences
Classification: Uncertain significance for SLX4-related condition. Last evaluated: 2022-11-10. Review status: criteria provided, single submitter. Criteria: ACMG Guidelines, 2015. Collection method: clinical testing. Allele origin: germline.
Comment: The SLX4 c.1331A>G variant is predicted to result in the amino acid substitution p.Glu444Gly. To our knowledge, this variant has not been reported in the literature or in a large population database, indicating this variant is rare. At this time, the clinical significance of this variant is uncertain due to the absence of conclusive functional and genetic evidence.

NM_032444.4(SLX4):c.1331A>G (p.Glu444Gly)

Gene: SLX4 (SLX4 structure-specific endonuclease subunit; minus strand). Cytogenetic location: 16p13.3.
Variant type: single nucleotide variant.
Coding change: c.1331A>G on transcript NM_032444.4 (MANE Select); coding-DNA position 1331, A replaced by G.
Protein change: p.Glu444Gly; replaces glutamic acid 444 with glycine.
Molecular consequence: missense variant.
Genome position (GRCh38, 1-based): chr16:3,597,832, T>C on the plus strand (A>G on the coding strand, the complement: SLX4 is on the minus strand). VCF-style: chr16-3597832-T-C. GRCh37 (hg19) VCF-style: chr16-3647833-T-C.
Other names: short protein forms E444G.
Identifiers: ClinVar variation 2635550 (VCV002635550.1), dbSNP rs2040681362, ClinGen allele CA394529332.